The following is an entry in ClinVar:

ClinVar aggregate classification (germline): Benign (1 of 4 stars; one submission).

Conditions:
Autosomal recessive distal spinal muscular atrophy 1. Also called: NEURONOPATHY, SEVERE INFANTILE AXONAL, WITH RESPIRATORY FAILURE; SEVERE INFANTILE AXONAL NEUROPATHY WITH RESPIRATORY FAILURE; SPINAL MUSCULAR ATROPHY, DIAPHRAGMATIC; Spinal muscular atrophy with respiratory distress 1; NEURONOPATHY, DISTAL HEREDITARY MOTOR, HARDING TYPE VI; NEUROPATHY, DISTAL HEREDITARY MOTOR, AUTOSOMAL RECESSIVE 1. Identifiers: Orphanet 98920, MedGen C1858517, MONDO:0011436, OMIM 604320.

Allele frequency attached by ClinVar (database versions not stated): gnomAD exomes 0.00022; 1000 Genomes Project 0.00160; TOPMed 0.00202; 1000 Genomes Project 30x 0.00203; gnomAD 0.00220.
gnomAD v4.1: 517 of 950,428 alleles (0.054%); highest among the groups gnomAD compares: African/African-American, 0.73%; 3 homozygotes.

Submission:

Broad Center for Mendelian Genomics, Broad Institute of MIT and Harvard
Classification: Benign for Autosomal recessive distal spinal muscular atrophy 1. Last evaluated: 2023-05-02. Review status: criteria provided, single submitter. Criteria: ACMG Guidelines, 2015. Collection method: curation. Allele origin: germline. Inheritance: Autosomal recessive inheritance.
Comment: The c.256+138A>G variant in IGHMBP2 has not been previously reported in individuals with autosomal recessive distal spinal muscular atrophy 1 but has been identified in 0.76% (315/41466) of African/African American chromosomes by the Genome Aggregation Database (gnomAD; dbSNP rs143241831). This variant has been seen in the general population, in a heterozygous state, at greater rate than expected for disorder. This variant was detected in 2 control individuals of the African/African American population sequenced by the Genome Aggregation Database (gnomAD; dbSNP rs143241831), suggesting that this variant is not pathogenic for autosomal recessive distal spinal muscular atrophy 1. This variant is located in the 5' splice region. Computational tools do not suggest an impact to splicing. However, this information is not predictive enough to rule out pathogenicity. In summary, this variant meets criteria to be classified as benign for spinal muscular atrophy 1 in an autosomal recessive manner. ACMG/AMP Criteria applied: BS1, BS2, BP4 (Richards 2015).

NM_002180.3(IGHMBP2):c.256+138A>G

Gene: IGHMBP2 (immunoglobulin mu DNA binding protein 2; plus strand). Cytogenetic location: 11q13.3.
Variant type: single nucleotide variant.
Coding change: c.256+138A>G on transcript NM_002180.3 (MANE Select); 138 bases into the intron after coding-DNA position 256, A replaced by G.
Molecular consequence: intron variant.
Genome position (GRCh38, 1-based): chr11:68,906,376, A>G. VCF-style: chr11-68906376-A-G. GRCh37 (hg19) VCF-style: chr11-68673844-A-G.
Other names: NM_002180.3:c.256+138A>G.
Identifiers: ClinVar variation 2500923 (VCV002500923.1), dbSNP rs143241831, ClinGen allele CA223384039.